The following is an entry in ClinVar:

NM_001378454.1(ALMS1):c.4375C>G (p.Pro1459Ala)

Gene: ALMS1 (ALMS1 centrosome and basal body associated protein; plus strand). Cytogenetic location: 2p13.1.
Variant type: single nucleotide variant.
Coding change: c.4375C>G on transcript NM_001378454.1 (MANE Select); coding-DNA position 4375, C replaced by G.
Protein change: p.Pro1459Ala; replaces proline 1459 with alanine.
Molecular consequence: missense variant.
Genome position (GRCh38, 1-based): chr2:73,450,902, C>G. VCF-style: chr2-73450902-C-G. GRCh37 (hg19) VCF-style: chr2-73678029-C-G.
Other names: c.4378C>G, p.Pro1460Ala (NM_015120.4); short protein forms P1459A, P1460A.
Identifiers: ClinVar variation 1905863 (VCV001905863.5), dbSNP rs2466101466, ClinGen allele CA347278411.

ClinVar aggregate classification (germline): Uncertain significance (1 of 4 stars; one submission).

Conditions:
Alstrom syndrome (ALMS). Identifiers: Orphanet 64, MedGen C0268425, MONDO:0008763, OMIM 203800.

Allele frequency attached by ClinVar (database versions not stated): gnomAD exomes below 0.00001.
gnomAD v4.1: 1 of 1,613,776 alleles (0.000062%); highest among the groups gnomAD compares: South Asian, 0.0011%; no homozygotes.

Submission:

Labcorp Genetics (formerly Invitae), Labcorp
Classification: Uncertain significance for Alstrom syndrome. Last evaluated: 2022-07-13. Review status: criteria provided, single submitter. Criteria: Invitae Variant Classification Sherloc (09022015). Collection method: clinical testing. Allele origin: germline.
Comment: This sequence change replaces proline, which is neutral and non-polar, with alanine, which is neutral and non-polar, at codon 1460 of the ALMS1 protein (p.Pro1460Ala). This variant is not present in population databases (gnomAD no frequency). This variant has not been reported in the literature in individuals affected with ALMS1-related conditions. Experimental studies and prediction algorithms are not available or were not evaluated, and the functional significance of this variant is currently unknown. In summary, the available evidence is currently insufficient to determine the role of this variant in disease. Therefore, it has been classified as a Variant of Uncertain Significance.